The following is an entry in ClinVar:

ClinVar aggregate classification (germline): Benign (1 of 4 stars; one submission).

Allele frequency attached by ClinVar (database versions not stated): 1000 Genomes Project 0.45787; 1000 Genomes Project 30x 0.46580; gnomAD 0.53511 and 0.54525; TOPMed 0.55104.
gnomAD v4.1: 81,432 of 152,056 alleles (54%); highest among the groups gnomAD compares: Admixed American, 57%; 22,351 homozygotes.

Submission:

GeneDx
Classification: Benign. Last evaluated: 2018-06-14. Review status: criteria provided, single submitter. Criteria: GeneDx Variant Classification (06012015). Collection method: clinical testing. Allele origin: germline. Affected: yes.
Comment: This variant is considered likely benign or benign based on one or more of the following criteria: it is a conservative change, it occurs at a poorly conserved position in the protein, it is predicted to be benign by multiple in silico algorithms, and/or has population frequency not consistent with disease.

NM_006767.4(LZTR1):c.510-267C>T

Gene: LZTR1 (leucine zipper like post translational regulator 1; plus strand). Cytogenetic location: 22q11.21.
Variant type: single nucleotide variant.
Coding change: c.510-267C>T on transcript NM_006767.4 (MANE Select); 267 bases into the intron before coding-DNA position 510, C replaced by T.
Molecular consequence: intron variant.
Genome position (GRCh38, 1-based): chr22:20,988,522, C>T. VCF-style: chr22-20988522-C-T. GRCh37 (hg19) VCF-style: chr22-21342811-C-T.
Identifiers: ClinVar variation 561840 (VCV000561840.1), dbSNP rs4822783, ClinGen allele CA14934941.
Genomic context (GRCh38, chr22:20,988,522, plus strand): 5'-CTTGTCACAAAAAAATGTTCAATAAGATCCAATGTACTGCTGATGGCGCTTCTGGGGTCC[C>T]GCTTTTTGAGCACCCCCTTTGATATTTTGGGGGCACCTAGGAGAAGGTTCTGTGCCTCTG-3'